The following is an entry in ClinVar:

ClinVar aggregate classification (germline): Uncertain significance (1 of 4 stars; one submission).

Conditions:
Ataxia-telangiectasia syndrome (AT). Also called: Ataxia telangiectasia (A-T); AT, COMPLEMENTATION GROUP C; Ataxia-telangiectasia, complementation group D; Cerebello-oculocutaneous telangiectasia; Immunodeficiency with ataxia telangiectasia; LOUIS-BAR SYNDROME. Identifiers: Orphanet 100, MedGen C0004135, MONDO:0008840, OMIM 208900.

Allele frequency attached by ClinVar (database versions not stated): gnomAD exomes below 0.00001.
gnomAD v4.1: 1 of 1,614,042 alleles (0.000062%); highest among the groups gnomAD compares: Non-Finnish European, 0.000085%; no homozygotes.

Submission:

Labcorp Genetics (formerly Invitae), Labcorp
Classification: Uncertain significance for Ataxia-telangiectasia syndrome. Last evaluated: 2022-08-07. Review status: criteria provided, single submitter. Criteria: Invitae Variant Classification Sherloc (09022015). Collection method: clinical testing. Allele origin: germline.
Comment: This sequence change replaces glutamine, which is neutral and polar, with arginine, which is basic and polar, at codon 1310 of the ATM protein (p.Gln1310Arg). In summary, the available evidence is currently insufficient to determine the role of this variant in disease. Therefore, it has been classified as a Variant of Uncertain Significance. Advanced modeling of protein sequence and biophysical properties (such as structural, functional, and spatial information, amino acid conservation, physicochemical variation, residue mobility, and thermodynamic stability) performed at Invitae indicates that this missense variant is not expected to disrupt ATM protein function. This variant has not been reported in the literature in individuals affected with ATM-related conditions. This variant is not present in population databases (gnomAD no frequency).

NM_000051.4(ATM):c.3929A>G (p.Gln1310Arg)

Gene: ATM (ATM serine/threonine kinase; plus strand). Cytogenetic location: 11q22.3.
Variant type: single nucleotide variant.
Coding change: c.3929A>G on transcript NM_000051.4 (MANE Select); coding-DNA position 3929, A replaced by G.
Protein change: p.Gln1310Arg; replaces glutamine 1310 with arginine.
Molecular consequence: missense variant.
Genome position (GRCh38, 1-based): chr11:108,284,409, A>G. VCF-style: chr11-108284409-A-G. GRCh37 (hg19) VCF-style: chr11-108155136-A-G.
Other names: c.3929A>G, p.Gln1310Arg (NM_001351834.2); short protein forms Q1310R.
Identifiers: ClinVar variation 2166651 (VCV002166651.4), dbSNP rs2135708729, ClinGen allele CA382525864.